The following is an entry in ClinVar:

ClinVar aggregate classification (germline): Uncertain significance (1 of 4 stars; one submission).

Conditions:
RYR1-related disorder. Also called: RYR1-related condition; RYR1-related disorders. Identifiers: MedGen CN239331.

Submission:

Labcorp Genetics (formerly Invitae), Labcorp
Classification: Uncertain significance for RYR1-related disorder. Last evaluated: 2024-10-03. Review status: criteria provided, single submitter. Criteria: Invitae Variant Classification Sherloc (09022015). Collection method: clinical testing. Allele origin: germline.
Comment: This sequence change replaces arginine, which is basic and polar, with glycine, which is neutral and non-polar, at codon 2336 of the RYR1 protein (p.Arg2336Gly). This variant is not present in population databases (gnomAD no frequency). This variant has not been reported in the literature in individuals affected with RYR1-related conditions. Invitae Evidence Modeling of protein sequence and biophysical properties (such as structural, functional, and spatial information, amino acid conservation, physicochemical variation, residue mobility, and thermodynamic stability) has been performed for this missense variant. However, the output from this modeling did not meet the statistical confidence thresholds required to predict the impact of this variant on RYR1 protein function. In summary, the available evidence is currently insufficient to determine the role of this variant in disease. Therefore, it has been classified as a Variant of Uncertain Significance.

NM_000540.3(RYR1):c.7006C>G (p.Arg2336Gly)

Gene: RYR1 (ryanodine receptor 1; plus strand). Cytogenetic location: 19q13.2.
Variant type: single nucleotide variant.
Coding change: c.7006C>G on transcript NM_000540.3 (MANE Select); coding-DNA position 7006, C replaced by G.
Protein change: p.Arg2336Gly; replaces arginine 2336 with glycine.
Molecular consequence: missense variant.
Genome position (GRCh38, 1-based): chr19:38,499,222, C>G. VCF-style: chr19-38499222-C-G. GRCh37 (hg19) VCF-style: chr19-38989862-C-G.
Other names: c.7006C>G, p.Arg2336Gly (NM_001042723.2); short protein forms R2336G.
Identifiers: ClinVar variation 3018072 (VCV003018072.3), dbSNP rs1218605372, ClinGen allele CA405667451.